The following continues an entry in ClinVar:

NM_000465.4(BARD1):c.1216C>T (p.Arg406Ter)

Gene: BARD1. ClinVar aggregate classification (germline): Pathogenic/Likely pathogenic. Pathogenic (18); Likely pathogenic (1).

Submissions 12 to 21 of 21:

Women's Health and Genetics/Laboratory Corporation of America, LabCorp
Classification: Pathogenic for Hereditary breast ovarian cancer syndrome. Last evaluated: 2023-04-18. Review status: criteria provided, single submitter. Criteria: LabCorp Variant Classification Summary - May 2015. Collection method: clinical testing. Allele origin: germline.
Comment: Variant summary: BARD1 c.1216C>T (p.Arg406X) results in a premature termination codon, predicted to cause a truncation of the encoded protein or absence of the protein due to nonsense mediated decay, which are commonly known mechanisms for disease. The variant allele was found at a frequency of 1.6e-05 in 250972 control chromosomes. c.1216C>T has been reported in the literature in individuals affected with Breast cancer (example, Sun_2017, Weber-Lassale_2019, Akcay_2021, Walsh_2021). These data indicate that the variant is likely to be associated with disease. To our knowledge, no experimental evidence demonstrating an impact on protein function has been reported. Eight clinical diagnostic laboratories have submitted clinical-significance assessments for this variant to ClinVar after 2014 without evidence for independent evaluation. All laboratories classified the variant as pathogenic/likely pathogenic. Based on the evidence outlined above, the variant was classified as pathogenic.

Color Diagnostics, LLC DBA Color Health
Classification: Pathogenic for Hereditary cancer-predisposing syndrome. Last evaluated: 2022-09-09. Review status: criteria provided, single submitter. Criteria: ACMG Guidelines, 2015. Collection method: clinical testing. Allele origin: germline.
Comment: This variant changes 1 nucleotide in exon 4 of the BARD1 gene, creating a premature translation stop signal. This variant is expected to result in an absent or non-functional protein product. This variant has been reported in individuals affected with breast cancer (PMID: 28724667; Fontaine et al., 2022, DOI 10.21203/rs.3.rs-1584056/v1). This variant has been identified in 5/282366 chromosomes in the general population by the Genome Aggregation Database (gnomAD). Loss of BARD1 function is a known mechanism of disease. Based on the available evidence, this variant is classified as Pathogenic.

Clinical Genetics Laboratory, Skane University Hospital Lund
Classification: Pathogenic. Last evaluated: 2022-08-15. Review status: criteria provided, single submitter. Criteria: ACMG Guidelines, 2015. Collection method: clinical testing. Allele origin: germline. Affected: yes.

National Health Laboratory Service, Universitas Academic Hospital and University of the Free State
Classification: Pathogenic for Hereditary breast ovarian cancer syndrome. Last evaluated: 2022-04-19. Review status: criteria provided, single submitter. Criteria: ACMG Guidelines, 2015. Collection method: clinical testing. Allele origin: germline. Affected: yes. Observed: 1 variant allele.

Institute of Medical Genetics and Applied Genomics, University Hospital Tübingen
Classification: Pathogenic. Last evaluated: 2021-09-15. Review status: criteria provided, single submitter. Criteria: ACMG Guidelines, 2015. Collection method: clinical testing. Allele origin: germline. Inheritance: Autosomal dominant inheritance. Affected: yes.

Department of Pathology and Laboratory Medicine, Sinai Health System
Classification: Pathogenic for Familial cancer of breast. Last evaluated: 2020-01-14. Review status: criteria provided, single submitter. Criteria: ACMG Guidelines, 2015. Collection method: clinical testing. Allele origin: germline. Affected: yes.

Revvity Omics, Revvity
Classification: Pathogenic. Last evaluated: 2019-03-28. Review status: criteria provided, single submitter. Criteria: ACMG Guidelines, 2015. Collection method: clinical testing. Allele origin: germline.

Juno Genomics, Hangzhou Juno Genomics, Inc
Classification: Pathogenic for Familial cancer of breast. Review status: criteria provided, single submitter. Criteria: ACMG Guidelines, 2015. Collection method: clinical testing. Allele origin: germline.
Comment: Absent from controls (or at extremely low frequency if recessive) in Genome Aggregation Database.;Null variant in a gene where loss of function (LOF) is a known mechanism of disease.;The prevalence of the variant in affected individuals is significantly increased compared to the prevalence in controls.

Medical Genetics Laboratory, Umraniye Training and Research Hospital, University of Health Sciences
Classification: Pathogenic for Breast carcinoma. Last evaluated: 2021-08-09. Review status: no assertion criteria provided. Collection method: clinical testing. Allele origin: germline. Inheritance: Autosomal dominant inheritance. Affected: yes. Observed: 1 variant allele, 1 heterozygote. Not counted in ClinVar's aggregate classification.

Dr. Peter K. Rogan Lab, Western University
No classification provided (evidence only). Condition: Malignant tumor of esophagus. Review status: no classification provided. Collection method: in vitro. Allele origin: not applicable. Functional consequence: retained intron. Not counted in ClinVar's aggregate classification.

Literature cited by the submitters: PubMed 20077502 (cited by Labcorp Genetics (formerly Invitae), Labcorp); PubMed 21344236 (cited by Labcorp Genetics (formerly Invitae), Labcorp); PubMed 28724667 (cited by 6 submitters); PubMed 31036035 (cited by 4 submitters); PubMed 29625052 (cited by OLLIN Analises Genomicas, OLLIN and Quest Diagnostics Nichols Institute San Juan Capistrano); PubMed 32658311 (cited by 4 submitters); PubMed 31887429 (cited by OLLIN Analises Genomicas, OLLIN and Quest Diagnostics Nichols Institute San Juan Capistrano); PubMed 32832836 (cited by 3 submitters); PubMed 33479248 (cited by 3 submitters); PubMed 33471991 (cited by Quest Diagnostics Nichols Institute San Juan Capistrano); PubMed 29922827 (cited by Quest Diagnostics Nichols Institute San Juan Capistrano); PubMed 31371347 (cited by Women's Health and Genetics/Laboratory Corporation of America, LabCorp).